The following is an entry in ClinVar:

ClinVar aggregate classification (germline): Uncertain significance (1 of 4 stars; one submission).

Conditions:
Alpha thalassemia-X-linked intellectual disability syndrome (ATRX). Also called: ALPHA-THALASSEMIA/MENTAL RETARDATION SYNDROME, X-LINKED; ATR, NONDELETION TYPE; ATR-X syndrome; Alpha thalassemia mental retardation syndrome, nondeletion type, X-linked; XLMR hypotonic face syndrome; X-linked alpha-thalassemia-mental retardation syndrome. Identifiers: Orphanet 847, MedGen C1845055, MONDO:0010519, OMIM 301040.

Submission:

Labcorp Genetics (formerly Invitae), Labcorp
Classification: Uncertain significance for Alpha thalassemia-X-linked intellectual disability syndrome. Last evaluated: 2025-02-20. Review status: criteria provided, single submitter. Criteria: Invitae Variant Classification Sherloc (09022015). Collection method: clinical testing. Allele origin: germline.
Comment: This sequence change replaces serine, which is neutral and polar, with cysteine, which is neutral and slightly polar, at codon 915 of the ATRX protein (p.Ser915Cys). This variant is not present in population databases (gnomAD no frequency). This variant has not been reported in the literature in individuals affected with ATRX-related conditions. Invitae Evidence Modeling of protein sequence and biophysical properties (such as structural, functional, and spatial information, amino acid conservation, physicochemical variation, residue mobility, and thermodynamic stability) indicates that this missense variant is not expected to disrupt ATRX protein function with a negative predictive value of 95%. In summary, the available evidence is currently insufficient to determine the role of this variant in disease. Therefore, it has been classified as a Variant of Uncertain Significance.

NM_000489.6(ATRX):c.2743A>T (p.Ser915Cys)

Gene: ATRX (ATRX chromatin remodeler; minus strand). Cytogenetic location: Xq21.1.
Variant type: single nucleotide variant.
Coding change: c.2743A>T on transcript NM_000489.6 (MANE Select); coding-DNA position 2743, A replaced by T.
Protein change: p.Ser915Cys; replaces serine 915 with cysteine.
Molecular consequence: missense variant.
Genome position (GRCh38, 1-based): chrX:77,682,513, T>A on the plus strand (A>T on the coding strand, the complement: ATRX is on the minus strand). VCF-style: chrX-77682513-T-A. GRCh37 (hg19) VCF-style: chrX-76938005-T-A.
Other names: c.2629A>T, p.Ser877Cys (NM_138270.5); short protein forms S877C, S915C.
Identifiers: ClinVar variation 4801108 (VCV004801108.1).